The following is an entry in ClinVar:

ClinVar aggregate classification (germline): Uncertain significance. Review status: criteria provided, multiple submitters, no conflicts (2 of 4 stars). 3 submissions from 3 submitters: Uncertain significance (3). Last evaluated 2024-07-11.

Conditions:
Peroxisome biogenesis disorder, complementation group 7 (CG7). Also called: Peroxisome biogenesis disorder, complementation group B. Identifiers: MedGen C1864399.

Allele frequency attached by ClinVar (database versions not stated): gnomAD exomes 0.00001 and 0.00002; ExAC 0.00002; gnomAD 0.00003; TOPMed 0.00003.
gnomAD v4.1: 26 of 1,611,194 alleles (0.0016%); highest among the groups gnomAD compares: African/African-American, 0.0093%; no homozygotes.

Submissions (3):

Blueprint Genetics
Classification: Uncertain significance. Last evaluated: 2024-07-11. Review status: criteria provided, single submitter. Criteria: ACMG Guidelines, 2015. Collection method: clinical testing. Allele origin: germline.

Labcorp Genetics (formerly Invitae), Labcorp
Classification: Uncertain significance for Peroxisome biogenesis disorder, complementation group 7. Last evaluated: 2022-08-03. Review status: criteria provided, single submitter. Criteria: Invitae Variant Classification Sherloc (09022015). Collection method: clinical testing. Allele origin: germline.
Comment: This sequence change replaces threonine, which is neutral and polar, with methionine, which is neutral and non-polar, at codon 149 of the PEX10 protein (p.Thr149Met). The frequency data for this variant in the population databases is considered unreliable, as metrics indicate poor data quality at this position in the gnomAD database. This variant has not been reported in the literature in individuals affected with PEX10-related conditions. ClinVar contains an entry for this variant (Variation ID: 289259). Algorithms developed to predict the effect of missense changes on protein structure and function output the following: SIFT: "Tolerated"; PolyPhen-2: "Benign"; Align-GVGD: "Class C0". The methionine amino acid residue is found in multiple mammalian species, which suggests that this missense change does not adversely affect protein function. In summary, the available evidence is currently insufficient to determine the role of this variant in disease. Therefore, it has been classified as a Variant of Uncertain Significance.

Eurofins Ntd Llc (ga)
Classification: Uncertain significance. Last evaluated: 2016-07-05. Review status: criteria provided, single submitter. Criteria: EGL Classification Definitions 2015. Collection method: clinical testing. Allele origin: germline. Observed: 1 variant allele, 1 heterozygote.

NM_002617.4(PEX10):c.446C>T (p.Thr149Met)

Gene: PEX10 (peroxisomal biogenesis factor 10; minus strand). Cytogenetic location: 1p36.32.
Variant type: single nucleotide variant.
Coding change: c.446C>T on transcript NM_002617.4 (MANE Select); coding-DNA position 446, C replaced by T.
Protein change: p.Thr149Met; replaces threonine 149 with methionine.
Molecular consequence: missense variant. On other transcripts: non-coding transcript variant (1).
Genome position (GRCh38, 1-based): chr1:2,408,606, G>A on the plus strand (C>T on the coding strand, the complement: PEX10 is on the minus strand). VCF-style: chr1-2408606-G-A. GRCh37 (hg19) VCF-style: chr1-2340045-G-A.
Other names: c.446C>T, p.Thr149Met (NM_001374425.1, NM_153818.2); c.14C>T, p.Thr5Met (NM_001374426.1, NM_001374427.1); short protein forms T149M, T5M.
Identifiers: ClinVar variation 289259 (VCV000289259.8), dbSNP rs764948458, ClinGen allele CA538169.